The following is an entry in ClinVar:

ClinVar aggregate classification (germline): Pathogenic/Likely pathogenic. Review status: criteria provided, multiple submitters, no conflicts (2 of 4 stars). 11 submissions from 11 submitters: Pathogenic (5); Likely pathogenic (5). 1 of the submissions does not count toward it. Last evaluated 2026-02-26.

Conditions:
PKD1-related disorder. Also called: PKD1-related condition.
Polycystic kidney disease, adult type (PKD1). Also called: Polycystic Kidney Disease 1, Autosomal Dominant; Polycystic kidney disease 1; Polycystic kidney disease 1, severe; POLYCYSTIC KIDNEY DISEASE 1 WITH OR WITHOUT POLYCYSTIC LIVER DISEASE; Polycystic Kidney, Autosomal Dominant; POLYCYSTIC KIDNEY DISEASE, ADULT, TYPE I. Identifiers: MedGen C3149841, MONDO:0008263, OMIM 173900.
Autosomal dominant polycystic kidney disease. Identifiers: Orphanet 730, MedGen C0085413, MONDO:0004691.
Inborn genetic diseases. Identifiers: MedGen C0950123, MeSH D030342.
Polycystic kidney disease. Also called: Kidney, Polycystic; Polycystic kidney dysplasia. Identifiers: MedGen C0022680, MeSH D007690, MONDO:0020642, HP:0000113.

Allele frequency attached by ClinVar (database versions not stated): gnomAD exomes below 0.00001.
gnomAD v4.1: 4 of 1,584,892 alleles (0.00025%); highest among the groups gnomAD compares: Admixed American, 0.0017%; no homozygotes.

Submissions (11):

PreventionGenetics, part of Exact Sciences
Classification: Pathogenic for PKD1-related condition. Last evaluated: 2026-02-26. Review status: criteria provided, single submitter. Criteria: ACMG Guidelines, 2015. Collection method: clinical testing. Allele origin: germline.
Comment: The PKD1 c.7927C>T variant is predicted to result in the amino acid substitution p.Arg2643Cys. This variant has been repeatedly reported in individuals with autosomal dominant polycystic kidney disease (ADPKD) (see for example, Garcia-Gonzalez et al. 2007. PubMed ID: 17574468; Table S2, Jayasinghe et al. 2020. PubMed ID: 32939031; Table S1, Mallawaarachchi et al. 2021. PubMed ID: 33437033; Supplementary Data, Lindemann et al. 2022. PubMed ID: 36938073; Table S1, Kimura et al. 2023. PubMed ID: 37509056). This variant is reported in 0.00093% of alleles in individuals of European (Non-Finnish) descent in gnomAD. This variant is interpreted as pathogenic.

Variantyx, Inc.
Classification: Likely pathogenic for Polycystic kidney disease, adult type. Last evaluated: 2025-12-28. Review status: criteria provided, single submitter. Criteria: Variantyx Assertion Criteria 2022. Collection method: clinical testing. Allele origin: de novo. Inheritance: Autosomal dominant inheritance. Affected: yes.
Comment: This is a nonsynonymous variant in the PKD1 gene (OMIM: 601313). Pathogenic variants in this gene have been associated with autosomal dominant polycystic kidney disease 1. This variant has been reported in at least four unrelated affected individuals (PMID: 33437033, 36938073, 32939031, 17574468) (PS4_Moderate). Multiple computational algorithms predict a deleterious effect for this variant (REVEL score: 0.693) (PP3), and an alternate amino acid change at this position (p.Arg2643Pro) has been previously reported in similarly affected individuals, which suggests that this residue is biologically important (PMID: 38527221, 27499327) (PM5). This variant has a 0.0017% maximum allele frequency in non-founder control populations (PM2). Based on the current evidence, this variant is classified as likely pathogenic for autosomal dominant polycystic kidney disease 1.

Victorian Clinical Genetics Services, Murdoch Childrens Research Institute
Classification: Pathogenic for Polycystic kidney disease, adult type. Last evaluated: 2025-10-20. Review status: criteria provided, single submitter. Criteria: ACMG Guidelines, 2015. Collection method: clinical testing. Allele origin: germline. Affected: yes.
Comment: This variant is classified as Pathogenic. Evidence in support of pathogenic classification: Variant is present in gnomAD (v2) <0.001 for a dominant condition (1 heterozygote, 0 homozygotes); This variant has strong previous evidence of pathogenicity in unrelated individuals. This variant has been previously reported in individuals with autosomal dominant polycystic kidney disease, and classified as likely pathogenic and pathogenic (ClinVar, VCGS, PMID: 17574468, 22508176, 27165007); This variant has moderate functional evidence supporting abnormal protein function. Functional studies show that transfected HEK293 cells have disrupted cleavage (PMID: 17574468); Another missense variant comparable to the one identified in this case has limited previous evidence for pathogenicity. This alternative variant (p.(Arg2643Pro)) has also been shown to cause autosomal dominant polycystic kidney disease (PMID: 27499327); Missense variant consistently predicted to be damaging by multiple in silico tools or highly conserved with a major amino acid change. Additional information: Variant is predicted to result in a missense amino acid change from arginine to cysteine; This variant is heterozygous; This gene is associated with autosomal dominant disease. Polycystic kidney disease 1 (MIM#173900) is predominantly caused by monoallelic variants, with rare reports of biallelic variants causing disease (OMIM); An alternative amino acid change at the same position has been observed in gnomAD (v2) (19 heterozygotes, 0 homozygotes); Variant is located in the annotated GPCR-autoproteolysis inducing domain (PMID: 22333914); Loss of function is a known mechanism of disease in this gene and is associated with polycystic kidney disease 1 (MIM#173900); Inheritance information for this variant is not currently available in this individual.

Women's Health and Genetics/Laboratory Corporation of America, LabCorp
Classification: Pathogenic for Polycystic kidney disease, adult type. Last evaluated: 2025-10-03. Review status: criteria provided, single submitter. Criteria: LabCorp Variant Classification Summary - May 2015. Collection method: clinical testing. Allele origin: germline.
Comment: Variant summary: PKD1 c.7927C>T (p.Arg2643Cys) results in a non-conservative amino acid change in the encoded protein sequence. Algorithms developed to predict the effect of missense changes on protein structure and function are either unavailable or do not agree on the potential impact of this missense change. The variant allele was found at a frequency of 4.3e-06 in 231050 control chromosomes (gnomAD). c.7927C>T has been observed in multiple individuals affected with Polycystic Kidney Disease 1 (e.g., Garcia-Gonzalez_2007, Audrezet_2012, Mallawaarachchi_2016, Jayasinghe_2021, Kimura_2023). These data indicate that the variant is very likely to be associated with disease. The following publications have been ascertained in the context of this evaluation (PMID: 17574468, 22508176, 27165007, 32939031, 37509056). ClinVar contains an entry for this variant (Variation ID: 871752). Based on the evidence outlined above, the variant was classified as pathogenic.

Ambry Genetics
Classification: Pathogenic for Inborn genetic diseases. Last evaluated: 2025-03-19. Review status: criteria provided, single submitter. Criteria: Ambry Variant Classification Scheme 2023. Collection method: clinical testing. Allele origin: germline.
Comment: The c.7927C>T (p.R2643C) alteration is located in exon 21 (coding exon 21) of the PKD1 gene. This alteration results from a C to T substitution at nucleotide position 7927, causing the arginine (R) at amino acid position 2643 to be replaced by a cysteine (C). This variant was reported in individual(s) with features consistent with autosomal dominant polycystic kidney disease (Mallawaarachchi, 2021; Lindemann, 2023; Jayasinghe, 2021; Garcia-Gonzalez, 2007; external communication). This amino acid position is highly conserved in available vertebrate species. Functional studies suggest an impact on cleavage of the intracellular domain; however, additional evidence is needed to confirm this finding (Garcia-Gonzalez, 2007). This alteration is predicted to be deleterious by in silico analysis. Based on the available evidence, this alteration is classified as pathogenic.

GeneDx
Classification: Likely pathogenic. Last evaluated: 2025-01-03. Review status: criteria provided, single submitter. Criteria: GeneDx Variant Classification Process June 2021. Collection method: clinical testing. Allele origin: germline. Affected: yes.
Comment: Identified in unrelated patients with polycystic kidney disease in published literature (PMID: 17574468, 27165007, 22508176); Published functional studies demonstrate this variant disrupts PKD1 cleavage (PMID: 17574468); Not observed at significant frequency in large population cohorts (gnomAD); In silico analysis supports that this missense variant has a deleterious effect on protein structure/function; This variant is associated with the following publications: (PMID: 27165007, 22508176, 32939031, 33437033, 36938073, 17574468)

Fulgent Genetics
Classification: Likely pathogenic for Polycystic kidney disease, adult type. Last evaluated: 2024-02-05. Review status: criteria provided, single submitter. Criteria: ACMG Guidelines, 2015. Collection method: clinical testing. Allele origin: germline.

Blueprint Genetics
Classification: Likely pathogenic for PKD1-related disorders. Last evaluated: 2023-07-17. Review status: criteria provided, single submitter. Criteria: ACMG Guidelines, 2015. Collection method: clinical testing. Allele origin: germline. Affected: yes. Observed: 5 variant alleles.

CeGaT Center for Human Genetics Tuebingen
Classification: Pathogenic. Last evaluated: 2020-01-01. Review status: criteria provided, single submitter. Criteria: CeGaT Center For Human Genetics Tuebingen Variant Classification Criteria Version 2. Collection method: clinical testing. Allele origin: germline. Affected: yes. Observed: 1 variant allele.

Molecular Genetics of Inherited Kidney Disorders Laboratory, Garvan Institute of Medical Research
Classification: Likely pathogenic for Autosomal dominant polycystic kidney disease. Last evaluated: 2019-01-01. Review status: criteria provided, single submitter. Criteria: ACMG Guidelines, 2015. Collection method: research. Allele origin: germline. Affected: yes.

Department of Pathology and Laboratory Medicine, Sinai Health System
Classification: Likely pathogenic for Polycystic Kidney disease. Review status: no assertion criteria provided. Collection method: clinical testing. Allele origin: unknown. Affected: yes. Study: The Canadian Open Genetics Repository (COGR). Not counted in ClinVar's aggregate classification.
Comment: The PKD1 p.Arg2643Cys variant was identified in 2 of 1564 proband chromosomes (frequency: 0.001) from individuals or families with ADPKD and was not identified in 342 control chromosomes from healthy individuals (AudrâˆšÂ©zet 2012, Garcia-Gonzalez 2007). The variant was also identified in the ADPKD Mutation database 6X as highly likely pathogenic. The variant was not identified in dbSNP, ClinVar, ClinVar, LOVD 3.0, or PKD1-LOVD. The variant was identified in control databases in 1 of 227680 chromosomes at a frequency of 0.000004 in the following population: European Non-Finnish in 1 of 106166 chromosomes (freq. 0.000009), but was not seen in African, Latino, Ashkenazi Jewish, East Asian, European Finnish and other populations (Genome Aggregation Consortium Feb 27, 2017). One study used several major criteria to judge the pathogenicity of the p.Arg2643Cys missense variant. The p.Arg2643Cys variant was confirmed to disrupt cleavage by expressing this variant in HEK293 cells and was classified as likely pathogenic (Garcia-Gonzalez 2007). The p.Arg2643Cys residue is conserved across mammals and other organisms, and computational analyses (PolyPhen-2, SIFT, AlignGVGD, BLOSUM, MutationTaster) suggest that the variant may impact the protein; however, this information is not predictive enough to assume pathogenicity. The variant occurs outside of the splicing consensus sequence and in silico or computational prediction software programs (SpliceSiteFinder, MaxEntScan, NNSPLICE, GeneSplicer, HumanSpliceFinder) do not predict a difference in splicing. In summary, based on the above information the clinical significance of this variant cannot be determined with certainty at this time although we would lean towards a more pathogenic role for this variant. This variant is classified as likely pathogenic.

Literature cited by the submitters: PubMed 33437033 (cited by Variantyx, Inc. and Ambry Genetics); PubMed 36938073 (cited by Variantyx, Inc. and Ambry Genetics); PubMed 32939031 (cited by 3 submitters); PubMed 17574468 (cited by 4 submitters); PubMed 38527221 (cited by Variantyx, Inc.); PubMed 27499327 (cited by Variantyx, Inc. and Victorian Clinical Genetics Services, Murdoch Childrens Research Institute); PubMed 27165007 (cited by Victorian Clinical Genetics Services, Murdoch Childrens Research Institute and Women's Health and Genetics/Laboratory Corporation of America, LabCorp); PubMed 22333914 (cited by Victorian Clinical Genetics Services, Murdoch Childrens Research Institute); PubMed 22508176 (cited by Victorian Clinical Genetics Services, Murdoch Childrens Research Institute and Women's Health and Genetics/Laboratory Corporation of America, LabCorp); PubMed 37509056 (cited by Women's Health and Genetics/Laboratory Corporation of America, LabCorp).

NM_001009944.3(PKD1):c.7927C>T (p.Arg2643Cys)

Gene: PKD1 (polycystin 1, transient receptor potential channel interacting; minus strand). Cytogenetic location: 16p13.3.
Variant type: single nucleotide variant.
Coding change: c.7927C>T on transcript NM_001009944.3 (MANE Select); coding-DNA position 7927, C replaced by T.
Protein change: p.Arg2643Cys; replaces arginine 2643 with cysteine.
Molecular consequence: missense variant.
Genome position (GRCh38, 1-based): chr16:2,105,411, G>A on the plus strand (C>T on the coding strand, the complement: PKD1 is on the minus strand). VCF-style: chr16-2105411-G-A. GRCh37 (hg19) VCF-style: chr16-2155412-G-A.
Other names: c.7927C>T, p.Arg2643Cys (NM_000296.4); c.7927C>T (NM_000296.3); short protein forms R2643C.
Identifiers: ClinVar variation 871752 (VCV000871752.60), dbSNP rs1452322332, ClinGen allele CA394366122.